The following is an entry in ClinVar:

NM_005157.6(ABL1):c.3225G>A (p.Gln1075=)

Gene: ABL1 (ABL proto-oncogene 1, non-receptor tyrosine kinase; plus strand). Cytogenetic location: 9q34.12.
Variant type: single nucleotide variant.
Coding change: c.3225G>A on transcript NM_005157.6 (MANE Select); coding-DNA position 3225, G replaced by A.
Protein change: p.Gln1075=; no amino-acid change (glutamine 1075 retained).
Molecular consequence: synonymous variant.
Genome position (GRCh38, 1-based): chr9:130,885,515, G>A. VCF-style: chr9-130885515-G-A. GRCh37 (hg19) VCF-style: chr9-133760902-G-A.
Other names: c.3282G>A (NM_007313.2); c.3282G>A, p.Gln1094= (NM_007313.3).
Identifiers: ClinVar variation 2906016 (VCV002906016.5), dbSNP rs376469296, ClinGen allele CA5285890.
Genomic context (GRCh38, chr9:130,885,515, plus strand): 5'-AGTGCTGGAGGCCGGCAAAAACCTCTACACGTTCTGCGTGAGCTATGTGGATTCCATCCA[G>A]CAAATGAGGAACAAGTTTGCCTTCCGAGAGGCCATCAACAAACTGGAGAATAATCTCCGG-3'
Protein context (NP_005148.2, residues 1065-1085): TFCVSYVDSI[Gln1075=]QMRNKFAFRE

ClinVar aggregate classification (germline): Likely benign. Review status: criteria provided, single submitter (1 of 4 stars). 2 submissions from 2 submitters: Likely benign (1). 1 of the submissions does not count toward it. Last evaluated 2025-09-29.

Conditions:
ABL1-related disorder. Also called: ABL1-related condition.

Allele frequency attached by ClinVar (database versions not stated): gnomAD 0.00003; TOPMed 0.00004; ExAC 0.00005; ESP Exome Variant Server 0.00008; gnomAD exomes 0.00004.
gnomAD v4.1: 69 of 1,614,060 alleles (0.0043%); highest among the groups gnomAD compares: Non-Finnish European, 0.005%; no homozygotes.

Submissions (2):

Labcorp Genetics (formerly Invitae), Labcorp
Classification: Likely benign. Last evaluated: 2025-09-29. Review status: criteria provided, single submitter. Criteria: Invitae Variant Classification Sherloc (09022015). Collection method: clinical testing. Allele origin: germline.

PreventionGenetics, part of Exact Sciences
Classification: Likely benign for ABL1-related condition. Last evaluated: 2019-04-09. Review status: no assertion criteria provided. Collection method: clinical testing. Allele origin: germline. Not counted in ClinVar's aggregate classification.
Comment: This variant is classified as likely benign based on ACMG/AMP sequence variant interpretation guidelines (Richards et al. 2015 PMID: 25741868, with internal and published modifications).